The following is an entry in ClinVar:

ClinVar aggregate classification (germline): Uncertain significance. Review status: criteria provided, multiple submitters, no conflicts (2 of 4 stars). 3 submissions from 2 submitters: Uncertain significance (3). Last evaluated 2023-07-13.

Conditions:
Retinal dystrophy. Also called: Inherited retinal dystrophy. Identifiers: Orphanet 71862, MedGen C0854723, MeSH D058499, MONDO:0019118, HP:0000556.
Retinitis pigmentosa 19 (RP19). Also called: ABCA4-Related Retinitis Pigmentosa. Identifiers: Orphanet 791, MedGen C1866422, MONDO:0011137, OMIM 601718.
Severe early-childhood-onset retinal dystrophy (STGD1). Also called: Stargardt macular dystrophy; Juvenile onset macular degeneration; Stargardt disease 1; STGD; MACULAR DYSTROPHY WITH FLECKS, TYPE 1. Identifiers: Orphanet 364055, Orphanet 827, MedGen C1855465, MeSH D000080362, MONDO:0009549, OMIM 248200.

Submissions (3):

3billion
Classification: Uncertain significance for Retinitis pigmentosa 19. Last evaluated: 2023-07-13. Review status: criteria provided, single submitter. Criteria: ACMG Guidelines, 2015. Collection method: clinical testing. Allele origin: germline. Affected: yes.
Comment: The variant is not observed in the gnomAD v2.1.1 dataset. Predicted Consequence/Location: Missense variant In silico tool predictions suggest damaging effect of the variant on gene or gene product (REVEL: 0.35; 3Cnet: 0.97). Therefore, this variant is classified as VUS according to the recommendation of ACMG/AMP guideline.

Institute of Human Genetics, Univ. Regensburg, Univ. Regensburg
Classification: Uncertain significance for Severe early-childhood-onset retinal dystrophy. Last evaluated: 2016-01-01. Review status: criteria provided, single submitter. Criteria: Schulz et al. (Invest Ophthalmol Vis Sci. 2017). Collection method: clinical testing. Allele origin: germline. Affected: yes. Observed: 1 heterozygote.

Institute of Human Genetics, Univ. Regensburg, Univ. Regensburg
Classification: Uncertain significance for Retinal dystrophy. Last evaluated: 2010-01-01. Review status: criteria provided, single submitter. Criteria: ACMG Guidelines, 2015. Collection method: clinical testing. Allele origin: germline. Affected: yes.

Literature cited by the submitters: PubMed 28118664 (cited by Institute of Human Genetics, Univ. Regensburg, Univ. Regensburg).

NM_000350.3(ABCA4):c.2940G>C (p.Leu980Phe)

Gene: ABCA4 (ATP binding cassette subfamily A member 4; minus strand). Cytogenetic location: 1p22.1.
Variant type: single nucleotide variant.
Coding change: c.2940G>C on transcript NM_000350.3 (MANE Select); coding-DNA position 2940, G replaced by C.
Protein change: p.Leu980Phe; replaces leucine 980 with phenylalanine.
Molecular consequence: missense variant.
Genome position (GRCh38, 1-based): chr1:94,044,723, C>G on the plus strand (G>C on the coding strand, the complement: ABCA4 is on the minus strand). VCF-style: chr1-94044723-C-G. GRCh37 (hg19) VCF-style: chr1-94510279-C-G.
Other names: c.2718G>C, p.Leu906Phe (NM_001425324.1); short protein forms L980F, L906F.
Identifiers: ClinVar variation 236098 (VCV000236098.4), dbSNP rs886044734, ClinGen allele CA10602440.
Genomic context (GRCh38, chr1:94,044,723, plus strand): 5'-TGCATCCAGGCTGGTTTCAATGTCCCTTCCCCCAACGAGCACAGTCCCAGAGGTTGGTGG[C>G]AACAGACCCGTCAGGATGGACCTGCAGAACACAGGCGTCAGTGGCAGAAGAGATGGCCTT-3'
Protein context (NP_000341.2, residues 970-990): TTTLSILTGL[Leu980Phe]PPTSGTVLVG